The following is an entry in ClinVar:

NM_152564.5(VPS13B):c.11129G>A (p.Arg3710Gln)

Gene: VPS13B (vacuolar protein sorting 13 homolog B; plus strand). Cytogenetic location: 8q22.2.
Variant type: single nucleotide variant.
Coding change: c.11129G>A on transcript NM_152564.5 (MANE Select); coding-DNA position 11129, G replaced by A.
Protein change: p.Arg3710Gln; replaces arginine 3710 with glutamine.
Molecular consequence: missense variant.
Genome position (GRCh38, 1-based): chr8:99,861,860, G>A. VCF-style: chr8-99861860-G-A. GRCh37 (hg19) VCF-style: chr8-100874088-G-A.
Other names: c.11129G>A (NM_152564.4); c.11204G>A, p.Arg3735Gln (NM_017890.5); short protein forms R3735Q, R3710Q.
Identifiers: ClinVar variation 1421827 (VCV001421827.4), dbSNP rs987017060, ClinGen allele CA182321452.

ClinVar aggregate classification (germline): Uncertain significance. Review status: criteria provided, multiple submitters, no conflicts (2 of 4 stars). 2 submissions from 2 submitters: Uncertain significance (2). Last evaluated 2026-08-24.

Conditions:
Cohen syndrome (COH1). Also called: PEPPER SYNDROME; Cutis verticis gyrata, retinitis pigmentosa, and sensorineural deafness. Identifiers: Orphanet 193, MedGen C0265223, MONDO:0008999, OMIM 216550.
VPS13B-related disorder. Also called: VPS13B-related condition.

Allele frequency attached by ClinVar (database versions not stated): gnomAD exomes 0.00001; TOPMed 0.00003; gnomAD 0.00004.
gnomAD v4.1: 48 of 1,601,656 alleles (0.003%); highest among the groups gnomAD compares: Admixed American, 0.0052%; no homozygotes.

Submissions (2):

PreventionGenetics, part of Exact Sciences
Classification: Uncertain significance for VPS13B-related condition. Last evaluated: 2026-08-24. Review status: criteria provided, single submitter. Criteria: ACMG Guidelines, 2015. Collection method: clinical testing. Allele origin: germline.
Comment: The VPS13B c.11129G>A variant is predicted to result in the amino acid substitution p.Arg3710Gln. To our knowledge, this variant has not been reported in the literature. This variant is reported in 0.011% of alleles in individuals of Ashkenazi Jewish descent in gnomAD. At this time, the clinical significance of this variant is uncertain due to the absence of conclusive functional and genetic evidence.

Labcorp Genetics (formerly Invitae), Labcorp
Classification: Uncertain significance for Cohen syndrome. Last evaluated: 2022-08-22. Review status: criteria provided, single submitter. Criteria: Invitae Variant Classification Sherloc (09022015). Collection method: clinical testing. Allele origin: germline.
Comment: This sequence change replaces arginine, which is basic and polar, with glutamine, which is neutral and polar, at codon 3735 of the VPS13B protein (p.Arg3735Gln). The frequency data for this variant in the population databases is considered unreliable, as metrics indicate poor data quality at this position in the gnomAD database. This variant has not been reported in the literature in individuals affected with VPS13B-related conditions. ClinVar contains an entry for this variant (Variation ID: 1421827). Algorithms developed to predict the effect of missense changes on protein structure and function are either unavailable or do not agree on the potential impact of this missense change (SIFT: "Not Available"; PolyPhen-2: "Possibly Damaging"; Align-GVGD: "Not Available"). In summary, the available evidence is currently insufficient to determine the role of this variant in disease. Therefore, it has been classified as a Variant of Uncertain Significance.